The following is an entry in ClinVar:

NM_001366722.1(GRIP1):c.2510G>A (p.Trp837Ter)

Gene: GRIP1 (glutamate receptor interacting protein 1; minus strand). Cytogenetic location: 12q14.3.
Variant type: single nucleotide variant.
Coding change: c.2510G>A on transcript NM_001366722.1 (MANE Select); coding-DNA position 2510, G replaced by A.
Protein change: p.Trp837Ter; replaces tryptophan 837 with a stop codon.
Molecular consequence: nonsense.
Genome position (GRCh38, 1-based): chr12:66,379,391, C>T on the plus strand (G>A on the coding strand, the complement: GRIP1 is on the minus strand). VCF-style: chr12-66379391-C-T. GRCh37 (hg19) VCF-style: chr12-66773171-C-T.
Other names: c.2354G>A, p.Trp785Ter (NM_001178074.2, NM_001379351.1, NM_021150.4); c.2429G>A, p.Trp810Ter (NM_001366723.1, NM_001379348.1); c.2432G>A, p.Trp811Ter (NM_001366724.1, NM_001379347.1); c.2588G>A, p.Trp863Ter (NM_001379345.1); c.2510G>A, p.Trp837Ter (NM_001379346.1, NM_001439323.1); c.2357G>A, p.Trp786Ter (NM_001379349.1); c.2513G>A, p.Trp838Ter (NM_001439322.1); short protein forms W785*, W786*, W810*, W811*, W837*, W838*, W863*.
Identifiers: ClinVar variation 5014219 (VCV005014219.1).

ClinVar aggregate classification (germline): Pathogenic (1 of 4 stars; one submission).

Conditions:
Fraser syndrome 3. Identifiers: MedGen C4540040, MONDO:0054739, OMIM 617667.

Submission:

Myriad Genetics, Inc.
Classification: Pathogenic for Fraser syndrome 3. Last evaluated: 2025-03-14. Review status: criteria provided, single submitter. Criteria: Myriad Autosomal Dominant, Autosomal Recessive and X-Linked Classification Criteria (2023). Collection method: clinical testing. Allele origin: unknown.
Comment: NM_021150.3(GRIP1):c.2354G>A(W785*) is expected to be pathogenic in the context of Fraser syndrome, GRIP1-related. This variant is predicted to lead to an abnormal or absent protein product due to the creation of a premature termination codon in GRIP1, a gene where loss-of-function variants are known to be pathogenic. Please note: this variant was assessed in the context of healthy population screening.